The following is an entry in ClinVar:

NM_017739.4(POMGNT1):c.1513G>A (p.Gly505Ser)

Genes: POMGNT1 (protein O-linked mannose N-acetylglucosaminyltransferase 1 (beta 1,2-); minus strand), TSPAN1 (tetraspanin 1; plus strand). Cytogenetic location: 1p34.1.
Variant type: single nucleotide variant.
Coding change: c.1513G>A on transcript NM_017739.4 (MANE Select); coding-DNA position 1513, G replaced by A.
Protein change: p.Gly505Ser; replaces glycine 505 with serine.
Molecular consequence: missense variant.
Genome position (GRCh38, 1-based): chr1:46,192,124, C>T on the plus strand (G>A on the coding strand, the complement: POMGNT1 is on the minus strand). VCF-style: chr1-46192124-C-T. GRCh37 (hg19) VCF-style: chr1-46657796-C-T.
Other names: NM_017739.4(POMGNT1):c.1513G>A; p.Gly505Ser; c.1513G>A, p.Gly505Ser (NM_001243766.2, NM_001410783.1); c.1447G>A, p.Gly483Ser (NM_001290129.3); c.1084G>A, p.Gly362Ser (NM_001290130.2); short protein forms G505S, G362S, G483S.
Identifiers: ClinVar variation 553478 (VCV000553478.23), dbSNP rs760705290, ClinGen allele CA833345.
Genomic context (GRCh38, chr1:46,192,124, plus strand): 5'-CCACACTGTGCCCTGCTCCCTGCCTCCCACTCACGTGAAAGTAGCCATTCATGTTGAGGC[C>T]GACGATGCCAAAGTGGTAGGATCGGGAAACGTCAGGGATGATGCACTCTCGGCCCCGGCG-3'
Protein context (NP_060209.4, residues 495-515): VSRSYHFGIV[Gly505Ser]LNMNGYFHEA

ClinVar aggregate classification (germline): Conflicting classifications of pathogenicity. Review status: criteria provided, conflicting classifications (1 of 4 stars). 10 submissions from 10 submitters: Pathogenic (1); Likely pathogenic (4); Uncertain significance (3). 2 of the submissions do not count toward it. Last evaluated 2026-01-18.

Conditions:
Muscular dystrophy-dystroglycanopathy (congenital with brain and eye anomalies), type A3. Also called: Congenital muscular dystrophy-dystroglycanopathy with brain and eye anomalies, type A3; Muscular dystrophy-dystroglycanopathy (congenital with brain and eye anomalies), type A, 3; WALKER-WARBURG SYNDROME OR MUSCLE-EYE-BRAIN DISEASE, POMGNT1-RELATED. Identifiers: MedGen C3151519, MONDO:0009667, OMIM 253280.
Autosomal recessive limb-girdle muscular dystrophy. Identifiers: Orphanet 102015, MedGen C2931907, MONDO:0015152.
Retinal dystrophy. Also called: Inherited retinal dystrophy. Identifiers: Orphanet 71862, MedGen C0854723, MeSH D058499, MONDO:0019118, HP:0000556.
Muscular dystrophy-dystroglycanopathy (congenital with impaired intellectual development), type B, 3. Also called: Muscular dystrophy-dystroglycanopathy (congenital with intellectual disability), type B3; MUSCULAR DYSTROPHY, CONGENITAL, POMGNT1-RELATED. Identifiers: MedGen C3150412, MONDO:0013155, OMIM 613151.
Retinitis pigmentosa 76 (RP76). Identifiers: MedGen C4310704, MONDO:0014929, OMIM 617123.
Autosomal recessive limb-girdle muscular dystrophy type 2O. Also called: Limb-Girdle Muscular Dystrophy Type 3C; MUSCULAR DYSTROPHY-DYSTROGLYCANOPATHY (LIMB-GIRDLE), TYPE C, 3; MUSCULAR DYSTROPHY-DYSTROGLYCANOPATHY, LIMB-GIRDLE, POMGNT1-RELATED. Identifiers: Orphanet 206564, MedGen C3150417, MONDO:0013161, OMIM 613157.
Muscular dystrophy-dystroglycanopathy. Also called: Congenital muscular dystrophy due to dystroglycanopathy. Identifiers: Orphanet 370953, MedGen C5679911, MONDO:0018276.
Muscle eye brain disease (MEB). Also called: Santavuori congenital muscular dystrophy. Identifiers: Orphanet 588, Orphanet 899, MedGen C0457133, MONDO:0018939.

Allele frequency attached by ClinVar (database versions not stated): gnomAD exomes 0.00001; TOPMed below 0.00001; ExAC 0.00001.
gnomAD v4.1: 14 of 1,614,102 alleles (0.00087%); highest among the groups gnomAD compares: East Asian, 0.0045%; no homozygotes.

Submissions (10):

Labcorp Genetics (formerly Invitae), Labcorp
Classification: Likely pathogenic for Autosomal recessive limb-girdle muscular dystrophy type 2O; Muscular dystrophy-dystroglycanopathy (congenital with impaired intellectual development), type B, 3. Last evaluated: 2026-01-18. Review status: criteria provided, single submitter. Criteria: Invitae Variant Classification Sherloc (09022015). Collection method: clinical testing. Allele origin: germline.
Comment: This sequence change replaces glycine, which is neutral and non-polar, with serine, which is neutral and polar, at codon 505 of the POMGNT1 protein (p.Gly505Ser). This variant is present in population databases (rs760705290, gnomAD 0.007%). This missense change has been observed in individual(s) with clinical features of POMGNT1-related conditions (PMID: 23689641, 29302074, 32404165, 36964972, 38374194). ClinVar contains an entry for this variant (Variation ID: 553478). Invitae Evidence Modeling of protein sequence and biophysical properties (such as structural, functional, and spatial information, amino acid conservation, physicochemical variation, residue mobility, and thermodynamic stability) has been performed for this missense variant. However, the output from this modeling did not meet the statistical confidence thresholds required to predict the impact of this variant on POMGNT1 protein function. In summary, the currently available evidence indicates that the variant is pathogenic, but additional data are needed to prove that conclusively. Therefore, this variant has been classified as Likely Pathogenic.

Baylor Genetics
Classification: Likely pathogenic for Muscular dystrophy-dystroglycanopathy (congenital with brain and eye anomalies), type A3. Last evaluated: 2024-02-29. Review status: criteria provided, single submitter. Criteria: ACMG Guidelines, 2015. Collection method: clinical testing. Allele origin: unknown.

Fulgent Genetics
Classification: Likely pathogenic for Muscular dystrophy-dystroglycanopathy (congenital with brain and eye anomalies), type A3; Muscular dystrophy-dystroglycanopathy (congenital with impaired intellectual development), type B, 3; Autosomal recessive limb-girdle muscular dystrophy type 2O; Retinitis pigmentosa 76. Last evaluated: 2024-02-02. Review status: criteria provided, single submitter. Criteria: ACMG Guidelines, 2015. Collection method: clinical testing. Allele origin: germline.

Dept Of Ophthalmology, Nagoya University
Classification: Uncertain significance for Retinal dystrophy. Last evaluated: 2023-10-01. Review status: criteria provided, single submitter. Criteria: Submitter's publication. Collection method: research. Allele origin: germline. Affected: yes.

Broad Center for Mendelian Genomics, Broad Institute of MIT and Harvard
Classification: Uncertain significance for Muscular dystrophy-dystroglycanopathy. Last evaluated: 2023-01-24. Review status: criteria provided, single submitter. Criteria: ACMG Guidelines, 2015. Collection method: curation. Allele origin: germline. Inheritance: Autosomal recessive inheritance.
Comment: The p.Gly505Ser variant in POMGNT1 has been reported in four individuals with muscular dystrophy-dystroglycanopathy (PMID: 29302074, 33200426, 23689641, 32404165), and has been identified in 0.006% (1/16254) of African chromosomes by the Genome Aggregation Database (gnomAD; dbSNP ID:rs760705290). Although this variant has been seen in the general population in a heterozygous state, its frequency is low enough to be consistent with a recessive carrier frequency. This variant has been reported in ClinVar (Variation ID #553478) as pathogenic by Women's Health and Genetics/Laboratory Corporation of America, LabCorp, as likely pathogenic by 3Billion, and as a variant of uncertain significance (VUS) by Counsyl, Natera, Inc, and Invitae. Of the four affected individuals, one was a homozygote, which increases the likelihood that the p.Gly505Ser variant is pathogenic (PMID: 29302074). Computational prediction tools and conservation analyses suggest that this variant may impact the protein, though this information is not predictive enough to determine pathogenicity. In summary, the clinical significance of the p.Gly505Ser variant is uncertain. ACMG/AMP Criteria applied: PM2_Supporting, PM3_supporting, PP3 (Richards 2015).

3billion
Classification: Likely pathogenic for Autosomal recessive limb-girdle muscular dystrophy type 2O. Last evaluated: 2022-01-03. Review status: criteria provided, single submitter. Criteria: ACMG Guidelines, 2015. Collection method: clinical testing. Allele origin: germline. Affected: yes. Observed: 1 homozygote.
Comment: Same nucleotide change resulting in same amino acid change has been previously reported to be associated with POMGNT1 related disorder (PMID:23689641, PS1_P). The variant has been reported to be in trans with a pathogenic variant as either compound heterozygous or homozygous in at least one similarly affected unrelated individual (PMID: 23689641, PM3_M). In silico tool predictions suggest damaging effect of the variant on gene or gene product (REVEL: 0.879, PP3_P). It is observed at an extremely low frequency in the gnomAD v2.1.1 dataset (total allele frequency: 0.000012, PM2_M). Therefore, this variant is classified as likely pathogenic according to the recommendation of ACMG/AMP guideline.

Women's Health and Genetics/Laboratory Corporation of America, LabCorp
Classification: Pathogenic for Autosomal recessive limb-girdle muscular dystrophy. Last evaluated: 2021-09-03. Review status: criteria provided, single submitter. Criteria: LabCorp Variant Classification Summary - May 2015. Collection method: clinical testing. Allele origin: germline.
Comment: Variant summary: POMGNT1 c.1513G>A (p.Gly505Ser) results in a non-conservative amino acid change in the encoded protein sequence. Four of five in-silico tools predict a damaging effect of the variant on protein function. The variant allele was found at a frequency of 1.2e-05 in 251444 control chromosomes. c.1513G>A has been reported in the literature as compound heterozygous/homozygous genotype among comprehensively genotyped individuals affected with CMD-MR, congenital muscular dystrophy with mental retardation (Song_2021), Muscle-eye-brain (MEB) disease, which is a congenital muscular dystrophy (CMD) phenotype (Jiao_2013), family with autosomal recessive Intellectual disability where authors note that POMGNT1 has solid evidence linking it to congenital dystroglycanopathy with MR (Hu_2019) and has been subsequently by others. These data indicate that the variant is very likely to be associated with disease. At-least one of these studies reported missense variants in POMGNT1 as accounting for over 66% of the mutational spectrum and as the most frequent pathogenic gene (24%) in the CMD group of patients (Song_2021). To our knowledge, no experimental evidence demonstrating an impact on protein function has been reported. Two clinical diagnostic laboratories have submitted clinical-significance assessments for this variant to ClinVar after 2014 without evidence for independent evaluation. All laboratories classified the variant as uncertain significance citing one but not all publications utilized in the context of this evaluation. Based on the evidence outlined above (ACMG PS4/PP1, PM2, PM3, PP2, PP3) the variant was classified as pathogenic.

Kariminejad - Najmabadi Pathology & Genetics Center
Classification: Uncertain significance. Last evaluated: 2016-11-26. Review status: criteria provided, single submitter. Criteria: ACMG Guidelines, 2015. Collection method: clinical testing. Allele origin: germline. Inheritance: Autosomal recessive inheritance. Affected: yes.
Comment: PM2,PP3,PM3

Natera, Inc.
Classification: Uncertain significance for Muscle-eye-brain disease. Last evaluated: 2020-03-18. Review status: no assertion criteria provided. Collection method: clinical testing. Allele origin: germline. Not counted in ClinVar's aggregate classification.

Counsyl
Classification: Uncertain significance for Muscular dystrophy-dystroglycanopathy (congenital with brain and eye anomalies), type A3. Last evaluated: 2017-08-28. Review status: no assertion criteria provided. Collection method: clinical testing. Allele origin: unknown. Not counted in ClinVar's aggregate classification.

Literature cited by the submitters: PubMed 23689641 (cited by 4 submitters); PubMed 29302074 (cited by Labcorp Genetics (formerly Invitae), Labcorp and Women's Health and Genetics/Laboratory Corporation of America, LabCorp); PubMed 32404165 (cited by Labcorp Genetics (formerly Invitae), Labcorp and Women's Health and Genetics/Laboratory Corporation of America, LabCorp); PubMed 36964972 (cited by Labcorp Genetics (formerly Invitae), Labcorp); PubMed 38374194 (cited by Labcorp Genetics (formerly Invitae), Labcorp); PubMed 31066047 (cited by Women's Health and Genetics/Laboratory Corporation of America, LabCorp); PubMed 33200426 (cited by Women's Health and Genetics/Laboratory Corporation of America, LabCorp).